The following is an entry in ClinVar:

NM_001278293.3(ARL6):c.535+139A>G

Gene: ARL6 (ARF like GTPase 6; plus strand). Cytogenetic location: 3q11.2.
Variant type: single nucleotide variant.
Coding change: c.535+139A>G on transcript NM_001278293.3 (MANE Select); 139 bases into the intron after coding-DNA position 535, A replaced by G.
Molecular consequence: intron variant. On other transcripts: missense variant (1), non-coding transcript variant (2).
Genome position (GRCh38, 1-based): chr3:97,791,965, A>G. VCF-style: chr3-97791965-A-G. GRCh37 (hg19) VCF-style: chr3-97510809-A-G.
Other names: c.548A>G, p.Gln183Arg (NM_001323513.2); c.535+139A>G (NM_032146.5, NM_177976.3); c.479+3846A>G (NM_001323514.2); short protein forms Q183R.
Identifiers: ClinVar variation 4992607 (VCV004992607.1).

ClinVar aggregate classification (germline): Uncertain significance (1 of 4 stars; one submission).

Conditions:
ARL6-related disorder. Also called: ARL6-related condition.

gnomAD v4.1: 5 of 730,876 alleles (0.00068%); highest among the groups gnomAD compares: Admixed American, 0.0074%; no homozygotes.

Submission:

PreventionGenetics, part of Exact Sciences
Classification: Uncertain significance for ARL6-related condition. Last evaluated: 2025-11-11. Review status: criteria provided, single submitter. Criteria: ACMG Guidelines, 2015. Collection method: clinical testing. Allele origin: germline.
Comment: The ARL6 c.548A>G variant is predicted to result in the amino acid substitution p.Gln183Arg. To our knowledge, this variant has not been reported in the literature. This variant is reported in 0.12% of alleles in individuals of Latino descent in gnomAD; however, allele frequency data in this region is considered unreliable. At this time, the clinical significance of this variant is uncertain due to the absence of conclusive functional and genetic evidence.